The following is an entry in ClinVar:

NM_021738.3(SVIL):c.1263T>C (p.His421=)

Gene: SVIL (supervillin; minus strand). Cytogenetic location: 10p11.23.
Variant type: single nucleotide variant.
Coding change: c.1263T>C on transcript NM_021738.3 (MANE Select); coding-DNA position 1263, T replaced by C.
Protein change: p.His421=; no amino-acid change (histidine 421 retained).
Molecular consequence: synonymous variant. On other transcripts: intron variant (3).
Genome position (GRCh38, 1-based): chr10:29,533,104, A>G on the plus strand (T>C on the coding strand, the complement: SVIL is on the minus strand). VCF-style: chr10-29533104-A-G. GRCh37 (hg19) VCF-style: chr10-29822033-A-G.
Other names: c.909-932T>C (NM_001323599.2); c.828-1816T>C (NM_001323600.1, NM_003174.3).
Identifiers: ClinVar variation 4872444 (VCV004872444.2).

ClinVar aggregate classification (germline): Likely benign (1 of 4 stars; one submission).

gnomAD v4.1: 82 of 1,613,938 alleles (0.0051%); highest among the groups gnomAD compares: Admixed American, 0.02%; no homozygotes.

Submission:

CeGaT Center for Human Genetics Tuebingen
Classification: Likely benign. Last evaluated: 2026-05-01. Review status: criteria provided, single submitter. Criteria: CeGaT Center For Human Genetics Tuebingen Variant Classification Criteria Version 2. Collection method: clinical testing. Allele origin: germline. Affected: yes. Observed: 1 variant allele.
Comment: SVIL: BP4, BP7